The following is an entry in ClinVar:

ClinVar aggregate classification (germline): Benign/Likely benign. Review status: criteria provided, multiple submitters, no conflicts (2 of 4 stars). 2 submissions from 2 submitters: Benign (1); Likely benign (1). Last evaluated 2026-01-25.

Allele frequency attached by ClinVar (database versions not stated): gnomAD exomes 0.00070 and 0.00147; gnomAD 0.00075 and 0.00081; TOPMed 0.00085; ExAC 0.00117; ESP Exome Variant Server 0.00131.
gnomAD v4.1: 1,240 of 1,610,658 alleles (0.077%); highest among the groups gnomAD compares: Non-Finnish European, 0.016%; 14 homozygotes.

Submissions (2):

Labcorp Genetics (formerly Invitae), Labcorp
Classification: Benign. Last evaluated: 2026-01-25. Review status: criteria provided, single submitter. Criteria: Invitae Variant Classification Sherloc (09022015). Collection method: clinical testing. Allele origin: germline.

CeGaT Center for Human Genetics Tuebingen
Classification: Likely benign. Last evaluated: 2023-11-01. Review status: criteria provided, single submitter. Criteria: CeGaT Center For Human Genetics Tuebingen Variant Classification Criteria Version 2. Collection method: clinical testing. Allele origin: germline. Affected: yes. Observed: 1 variant allele.
Comment: SLC9A3: BP4, BS2

NM_004174.4(SLC9A3):c.1832C>T (p.Ala611Val)

Genes: SLC9A3 (solute carrier family 9 member A3), SLC9A3-AS1 (SLC9A3 antisense RNA 1; plus strand). Cytogenetic location: 5p15.33.
Variant type: single nucleotide variant.
Coding change: c.1832C>T on transcript NM_004174.4 (MANE Select); coding-DNA position 1832, C replaced by T.
Protein change: p.Ala611Val; replaces alanine 611 with valine.
Molecular consequence: missense variant.
Genome position (GRCh38, 1-based): chr5:476,601, G>A on the plus strand (C>T on the coding strand, the complement: SLC9A3 is on the minus strand). VCF-style: chr5-476601-G-A. GRCh37 (hg19) VCF-style: chr5-476716-G-A.
Other names: c.1805C>T, p.Ala602Val (NM_001284351.3); short protein forms A602V, A611V.
Identifiers: ClinVar variation 781608 (VCV000781608.33), dbSNP rs145635595, ClinGen allele CA3175694.